The following is an entry in ClinVar:

NM_001349253.2(SCN11A):c.2747T>C (p.Leu916Ser)

Gene: SCN11A (sodium voltage-gated channel alpha subunit 11; minus strand). Cytogenetic location: 3p22.2.
Variant type: single nucleotide variant.
Coding change: c.2747T>C on transcript NM_001349253.2 (MANE Select); coding-DNA position 2747, T replaced by C.
Protein change: p.Leu916Ser; replaces leucine 916 with serine.
Molecular consequence: missense variant.
Genome position (GRCh38, 1-based): chr3:38,894,621, A>G on the plus strand (T>C on the coding strand, the complement: SCN11A is on the minus strand). VCF-style: chr3-38894621-A-G. GRCh37 (hg19) VCF-style: chr3-38936112-A-G.
Other names: c.2747T>C (NM_014139.2); c.2747T>C, p.Leu916Ser (NM_014139.3); short protein forms L916S.
Identifiers: ClinVar variation 2932381 (VCV002932381.4), dbSNP rs764112097, ClinGen allele CA72997370.

ClinVar aggregate classification (germline): Uncertain significance. Review status: criteria provided, multiple submitters, no conflicts (2 of 4 stars). 2 submissions from 2 submitters: Uncertain significance (2). Last evaluated 2026-02-07.

Conditions:
SCN11A-related disorder. Also called: SCN11A-related condition.
Hereditary sensory and autonomic neuropathy type 7. Also called: Neuropathy, hereditary sensory and autonomic, type VII; HSAN VII. Identifiers: Orphanet 391397, MedGen C3809882, MONDO:0014244, OMIM 615548.
Familial episodic pain syndrome with predominantly lower limb involvement. Also called: Episodic pain syndrome, familial, 3. Identifiers: Orphanet 391384, Orphanet 391392, MedGen C3809899, MONDO:0014247, OMIM 615552.

Allele frequency attached by ClinVar (database versions not stated): TOPMed below 0.00001; gnomAD exomes 0.00001.
gnomAD v4.1: 14 of 1,614,168 alleles (0.00087%); highest among the groups gnomAD compares: Non-Finnish European, 0.0011%; no homozygotes.

Submissions (2):

PreventionGenetics, part of Exact Sciences
Classification: Uncertain significance for SCN11A-related condition. Last evaluated: 2026-02-07. Review status: criteria provided, single submitter. Criteria: ACMG Guidelines, 2015. Collection method: clinical testing. Allele origin: germline.
Comment: The SCN11A c.2747T>C variant is predicted to result in the amino acid substitution p.Leu916Ser. To our knowledge, this variant has not been reported in the literature. This variant has been reported in 1 heterozygous individual within the ‘other’ subpopulation in gnomAD. At this time, the clinical significance of this variant is uncertain due to the absence of conclusive functional and genetic evidence.

Labcorp Genetics (formerly Invitae), Labcorp
Classification: Uncertain significance for Familial episodic pain syndrome with predominantly lower limb involvement; Hereditary sensory and autonomic neuropathy type 7. Last evaluated: 2023-06-17. Review status: criteria provided, single submitter. Criteria: Invitae Variant Classification Sherloc (09022015). Collection method: clinical testing. Allele origin: germline.
Comment: This sequence change replaces leucine, which is neutral and non-polar, with serine, which is neutral and polar, at codon 916 of the SCN11A protein (p.Leu916Ser). This variant is present in population databases (rs764112097, gnomAD no frequency). This variant has not been reported in the literature in individuals affected with SCN11A-related conditions. Advanced modeling of protein sequence and biophysical properties (such as structural, functional, and spatial information, amino acid conservation, physicochemical variation, residue mobility, and thermodynamic stability) performed at Invitae indicates that this missense variant is not expected to disrupt SCN11A protein function. In summary, the available evidence is currently insufficient to determine the role of this variant in disease. Therefore, it has been classified as a Variant of Uncertain Significance.